The following is an entry in ClinVar:

NM_000352.6(ABCC8):c.2117G>A (p.Gly706Asp)

Gene: ABCC8 (ATP binding cassette subfamily C member 8; minus strand). Cytogenetic location: 11p15.1.
Variant type: single nucleotide variant.
Coding change: c.2117G>A on transcript NM_000352.6 (MANE Select); coding-DNA position 2117, G replaced by A.
Protein change: p.Gly706Asp; replaces glycine 706 with aspartic acid.
Molecular consequence: missense variant. On other transcripts: non-coding transcript variant (1).
Genome position (GRCh38, 1-based): chr11:17,427,154, C>T on the plus strand (G>A on the coding strand, the complement: ABCC8 is on the minus strand). VCF-style: chr11-17427154-C-T. GRCh37 (hg19) VCF-style: chr11-17448701-C-T.
Other names: c.2117G>A, p.Gly706Asp (NM_001287174.3); c.2183G>A, p.Gly728Asp (NM_001351295.2); c.2114G>A, p.Gly705Asp (NM_001351296.2, NM_001351297.2); short protein forms G705D, G706D, G728D.
Identifiers: ClinVar variation 5038207 (VCV005038207.1).

ClinVar aggregate classification (germline): Uncertain significance (1 of 4 stars; one submission).

Conditions:
Maturity-onset diabetes of the young, type 12. Identifiers: MedGen C6012723, MONDO:0978299, OMIM 621196.

gnomAD v4.1: 1 of 1,612,090 alleles (0.000062%); highest among the groups gnomAD compares: Non-Finnish European, 0.000085%; no homozygotes.

Submission:

MVZ Medizinische Genetik Mainz
Classification: Uncertain significance for Maturity-onset diabetes of the young, type 12. Last evaluated: 2025-07-09. Review status: criteria provided, single submitter. Criteria: UK Practice Guidelines For Variant Classification V4 01 2020. Collection method: clinical testing. Allele origin: germline. Inheritance: Autosomal dominant inheritance. Observed: 1 variant allele.
Comment: ACMG Criteria: PP3_MOD,PM2_SUP